The following is an entry in ClinVar:

NM_015459.5(ATL3):c.355A>G (p.Ile119Val)

Genes: ATL3 (atlastin GTPase 3; minus strand), LNCROPM (lncRNA regulator of PLAAT3 mediated phospholipid metabolism; plus strand). Cytogenetic location: 11q13.1.
Variant type: single nucleotide variant.
Coding change: c.355A>G on transcript NM_015459.5 (MANE Select); coding-DNA position 355, A replaced by G.
Protein change: p.Ile119Val; replaces isoleucine 119 with valine.
Molecular consequence: missense variant.
Genome position (GRCh38, 1-based): chr11:63,658,811, T>C on the plus strand (A>G on the coding strand, the complement: ATL3 is on the minus strand). VCF-style: chr11-63658811-T-C. GRCh37 (hg19) VCF-style: chr11-63426283-T-C.
Other names: c.301A>G, p.Ile101Val (NM_001290048.2); short protein forms I101V, I119V.
Identifiers: ClinVar variation 1493387 (VCV001493387.8), dbSNP rs2134523192, ClinGen allele CA381030115.

ClinVar aggregate classification (germline): Uncertain significance (1 of 4 stars; one submission).

Conditions:
Neuropathy, hereditary sensory, type 1F. Also called: Hereditary sensory neuropathy type IF; HSN IF. Identifiers: Orphanet 36386, MedGen C3810194, MONDO:0014286, OMIM 615632.

Submission:

Labcorp Genetics (formerly Invitae), Labcorp
Classification: Uncertain significance for Neuropathy, hereditary sensory, type 1F. Last evaluated: 2021-05-03. Review status: criteria provided, single submitter. Criteria: Invitae Variant Classification Sherloc (09022015). Collection method: clinical testing. Allele origin: germline.
Comment: This sequence change replaces isoleucine with valine at codon 119 of the ATL3 protein (p.Ile119Val). The isoleucine residue is highly conserved and there is a small physicochemical difference between isoleucine and valine. In summary, the available evidence is currently insufficient to determine the role of this variant in disease. Therefore, it has been classified as a Variant of Uncertain Significance. Algorithms developed to predict the effect of missense changes on protein structure and function (SIFT, PolyPhen-2, Align-GVGD) all suggest that this variant is likely to be disruptive, but these predictions have not been confirmed by published functional studies and their clinical significance is uncertain. This variant has not been reported in the literature in individuals with ATL3-related conditions. This variant is not present in population databases (ExAC no frequency).